The following is an entry in ClinVar:

NM_022552.5(DNMT3A):c.2469dup (p.Ile824fs)

Gene: DNMT3A (DNA methyltransferase 3 alpha; minus strand). Cytogenetic location: 2p23.3.
Variant type: Duplication.
Coding change: c.2469dup on transcript NM_022552.5 (MANE Select); coding-DNA position 2469, one base duplicated (G; older notation c.2469dupG).
Protein change: p.Ile824fs; shifts the reading frame from isoleucine 824.
Molecular consequence: frameshift variant. On other transcripts: non-coding transcript variant (1).
Genome position (GRCh38, 1-based): chr2:25,236,945, C duplicated on the plus strand (G on the coding strand, the reverse complement: DNMT3A is on the minus strand); the first of 2 consecutive C bases (chr2:25,236,945-25,236,946); duplicating either gives the same sequence. VCF-style (leftmost placement, unchanged base first): chr2-25236944-T-TC. GRCh37 (hg19) VCF-style: chr2-25459813-T-TC.
Other names: c.2013dup, p.Ile672fs (NM_001320893.1); c.1800dup, p.Ile601fs (NM_001375819.1); c.1902dup, p.Ile635fs (NM_153759.3); c.2469dup, p.Ile824fs (NM_175629.2); c.2469dupG (NM_175629.2); short protein forms I824fs, I635fs, I601fs, I672fs.
Identifiers: ClinVar variation 817820 (VCV000817820.1), dbSNP rs1200243711, ClinGen allele CA531368870.

ClinVar aggregate classification (germline): Pathogenic (1 of 4 stars; one submission).

Submission:

GeneDx
Classification: Pathogenic. Last evaluated: 2018-09-11. Review status: criteria provided, single submitter. Criteria: GeneDx Variant Classification (06012015). Collection method: clinical testing. Allele origin: germline. Affected: yes.
Comment: The c.2469dupG variant in the DNMT3A gene has not been reported previously as a pathogenic variant nor as a benign variant, to our knowledge. The c.2469dupG variant causes a frameshift starting with codon Isoleucine 824, changes this amino acid to a Aspartic acid residue, and creates a premature Stop codon at position 3 of the new reading frame, denoted p.Ile824AspfsX3. This variant is predicted to cause loss of normal protein function through protein truncation. The c.2469dupG variant is not observed in large population cohorts (Lek et al., 2016). We interpret c.2469dupG as a c.2469dupG pathogenic variant.